The following is an entry in ClinVar:

NM_018149.7(SMG8):c.2318C>T (p.Pro773Leu)

Gene: SMG8 (SMG8 nonsense mediated mRNA decay factor; plus strand). Cytogenetic location: 17q22.
Variant type: single nucleotide variant.
Coding change: c.2318C>T on transcript NM_018149.7 (MANE Select); coding-DNA position 2318, C replaced by T.
Protein change: p.Pro773Leu; replaces proline 773 with leucine.
Molecular consequence: missense variant.
Genome position (GRCh38, 1-based): chr17:59,213,141, C>T. VCF-style: chr17-59213141-C-T. GRCh37 (hg19) VCF-style: chr17-57290502-C-T.
Other names: short protein forms P773L.
Identifiers: ClinVar variation 790183 (VCV000790183.6), dbSNP rs146340466, ClinGen allele CA8679755.

ClinVar aggregate classification (germline): Benign/Likely benign. Review status: criteria provided, multiple submitters, no conflicts (2 of 4 stars). 3 submissions from 3 submitters: Benign (2); Likely benign (1). Last evaluated 2026-06-01.

Allele frequency attached by ClinVar (database versions not stated): gnomAD exomes 0.00032 and 0.00095; ExAC 0.00116; gnomAD 0.00352 and 0.00374; TOPMed 0.00367; ESP Exome Variant Server 0.00446; 1000 Genomes Project 0.00479; 1000 Genomes Project 30x 0.00484.
gnomAD v4.1: 1,024 of 1,614,206 alleles (0.063%); highest among the groups gnomAD compares: African/African-American, 1.2%; 4 homozygotes.

Submissions (3):

CeGaT Center for Human Genetics Tuebingen
Classification: Likely benign. Last evaluated: 2026-06-01. Review status: criteria provided, single submitter. Criteria: CeGaT Center For Human Genetics Tuebingen Variant Classification Criteria Version 2. Collection method: clinical testing. Allele origin: germline. Affected: yes. Observed: 2 variant alleles.
Comment: SMG8: BS1

Labcorp Genetics (formerly Invitae), Labcorp
Classification: Benign. Last evaluated: 2018-04-19. Review status: criteria provided, single submitter. Criteria: Invitae Variant Classification Sherloc (09022015). Collection method: clinical testing. Allele origin: germline.

Breakthrough Genomics
Classification: Benign. Review status: criteria provided, single submitter. Criteria: ACMG Guidelines, 2015. Collection method: not provided. Allele origin: germline. Inheritance: Autosomal recessive inheritance. Affected: yes.